The following is an entry in ClinVar:

ClinVar aggregate classification (germline): Uncertain significance (1 of 4 stars; one submission).

Allele frequency attached by ClinVar (database versions not stated): 1000 Genomes Project 30x 0.00016; 1000 Genomes Project 0.00020; gnomAD 0.00001.

Submission:

Women's Health and Genetics/Laboratory Corporation of America, LabCorp
Classification: Uncertain significance. Last evaluated: 2017-01-26. Review status: criteria provided, single submitter. Criteria: LabCorp Variant Classification Summary - May 2015. Collection method: clinical testing. Allele origin: germline.
Comment: Variant summary: The CD40 c.498-4A>T variant involves the alteration of a non-conserved intronic nucleotide. One in silico tool predicts a benign outcome for this variant. 5/5 splice prediction tools predict no significant impact on normal splicing. However, these predictions have yet to be confirmed by functional studies. This variant is absent in 121382 control chromosomes. The variant of interest has not, to our knowledge, been reported in affected individuals via publications and/or reputable databases/clinical diagnostic laboratories; nor evaluated for functional impact by in vivo/vitro studies. Because of the absence of clinical information and the lack of functional studies, the variant is classified as a variant of uncertain significance (VUS) until additional information becomes available.

NM_001250.6(CD40):c.498-4A>T

Gene: CD40 (CD40 molecule; plus strand). Cytogenetic location: 20q13.12.
Variant type: single nucleotide variant.
Coding change: c.498-4A>T on transcript NM_001250.6 (MANE Select); 4 bases into the intron before coding-DNA position 498, A replaced by T.
Molecular consequence: intron variant.
Genome position (GRCh38, 1-based): chr20:46,126,636, A>T. VCF-style: chr20-46126636-A-T. GRCh37 (hg19) VCF-style: chr20-44755275-A-T.
Other names: c.498-4A>T (LRG_40t1, NM_001302753.2, NM_001322421.2 and 1 more transcripts); c.498-1502A>T (NM_152854.4); c.404-1502A>T (NM_001322422.2).
Identifiers: ClinVar variation 496129 (VCV000496129.1), dbSNP rs536354301, ClinGen allele CA315653116.